The following is an entry in ClinVar:

ClinVar aggregate classification (germline): Uncertain significance (1 of 4 stars; one submission).

Conditions:
Autosomal dominant nonsyndromic hearing loss 1. Also called: KONIGSMARK SYNDROME; DEAFNESS, AUTOSOMAL DOMINANT 1, WITH OR WITHOUT THROMBOCYTOPENIA. Identifiers: Orphanet 90635, MedGen C1852282, MONDO:0007424, OMIM 124900.
Progressive microcephaly-seizures-cortical blindness-developmental delay syndrome. Also called: Seizures, cortical blindness, and microcephaly syndrome. Identifiers: Orphanet 477814, MedGen C5567650, MONDO:0014714, OMIM 616632.

gnomAD v4.1: 20 of 1,613,978 alleles (0.0012%); highest among the groups gnomAD compares: Non-Finnish European, 0.0016%; 1 homozygote.

Submission:

Labcorp Genetics (formerly Invitae), Labcorp
Classification: Uncertain significance for Progressive microcephaly-seizures-cortical blindness-developmental delay syndrome; Autosomal dominant nonsyndromic hearing loss 1. Last evaluated: 2026-01-24. Review status: criteria provided, single submitter. Criteria: Invitae Variant Classification Sherloc (09022015). Collection method: clinical testing. Allele origin: germline.
Comment: This sequence change replaces isoleucine, which is neutral and non-polar, with threonine, which is neutral and polar, at codon 57 of the DIAPH1 protein (p.Ile57Thr). This variant is present in population databases (rs765404982, gnomAD 0.0009%). This variant has not been reported in the literature in individuals affected with DIAPH1-related conditions. Experimental studies and prediction algorithms are not available or were not evaluated, and the functional significance of this variant is currently unknown. In summary, the available evidence is currently insufficient to determine the role of this variant in disease. Therefore, it has been classified as a Variant of Uncertain Significance.

NM_005219.5(DIAPH1):c.170T>C (p.Ile57Thr)

Gene: DIAPH1 (diaphanous related formin 1; minus strand). Cytogenetic location: 5q31.3.
Variant type: single nucleotide variant.
Coding change: c.170T>C on transcript NM_005219.5 (MANE Select); coding-DNA position 170, T replaced by C.
Protein change: p.Ile57Thr; replaces isoleucine 57 with threonine.
Molecular consequence: missense variant.
Genome position (GRCh38, 1-based): chr5:141,587,172, A>G on the plus strand (T>C on the coding strand, the complement: DIAPH1 is on the minus strand). VCF-style: chr5-141587172-A-G. GRCh37 (hg19) VCF-style: chr5-140966739-A-G.
Other names: c.143T>C, p.Ile48Thr (NM_001079812.3); c.170T>C, p.Ile57Thr (NM_001314007.2); short protein forms I48T, I57T.
Identifiers: ClinVar variation 4787791 (VCV004787791.1).